The following is an entry in ClinVar:

ClinVar aggregate classification (germline): Pathogenic/Likely pathogenic. Review status: criteria provided, multiple submitters, no conflicts (2 of 4 stars). 2 submissions from 2 submitters: Pathogenic (1); Likely pathogenic (1). Last evaluated 2025-08-07.

Submissions (2):

Dasa
Classification: Pathogenic. Last evaluated: 2025-08-07. Review status: criteria provided, single submitter. Criteria: DASA Assertion Criteria. Collection method: clinical testing. Allele origin: germline.
Comment: NM_001384732.1(CPLANE1):c.834+1G>T affects a canonical splice donor site and is predicted to disrupt normal RNA splicing. Loss-of-function is an established mechanism of disease for this gene. The variant has been reported in individuals with Joubert syndrome and related phenotypes (PMID: 35582950) and is present at low frequency in population datasets. Based on the available data, this variant is classified as pathogenic.

Labcorp Genetics (formerly Invitae), Labcorp
Classification: Likely pathogenic. Last evaluated: 2022-08-01. Review status: criteria provided, single submitter. Criteria: Invitae Variant Classification Sherloc (09022015). Collection method: clinical testing. Allele origin: germline.
Comment: In summary, the currently available evidence indicates that the variant is pathogenic, but additional data are needed to prove that conclusively. Therefore, this variant has been classified as Likely Pathogenic. Algorithms developed to predict the effect of sequence changes on RNA splicing suggest that this variant may disrupt the consensus splice site. This variant has not been reported in the literature in individuals affected with CPLANE1-related conditions. This variant is not present in population databases (gnomAD no frequency). This sequence change affects a donor splice site in intron 7 of the CPLANE1 gene. It is expected to disrupt RNA splicing. Variants that disrupt the donor or acceptor splice site typically lead to a loss of protein function (PMID: 16199547), and loss-of-function variants in CPLANE1 are known to be pathogenic (PMID: 24178751, 26092869).

Literature cited by the submitters: PubMed 35582950 (cited by Dasa); PubMed 16199547 (cited by Labcorp Genetics (formerly Invitae), Labcorp); PubMed 24178751 (cited by Labcorp Genetics (formerly Invitae), Labcorp); PubMed 26092869 (cited by Labcorp Genetics (formerly Invitae), Labcorp).

NM_001384732.1(CPLANE1):c.834+1G>T

Gene: CPLANE1 (ciliogenesis and planar polarity effector complex subunit 1; minus strand). Cytogenetic location: 5p13.2.
Variant type: single nucleotide variant.
Coding change: c.834+1G>T on transcript NM_001384732.1 (MANE Select); the canonical splice donor site of the intron after coding-DNA position 834, G replaced by T.
Molecular consequence: splice donor variant.
Genome position (GRCh38, 1-based): chr5:37,239,712, C>A on the plus strand (G>T on the coding strand, the complement: CPLANE1 is on the minus strand). VCF-style: chr5-37239712-C-A. GRCh37 (hg19) VCF-style: chr5-37239814-C-A.
Other names: c.834+1G>T (NM_023073.4).
Identifiers: ClinVar variation 2021013 (VCV002021013.5), dbSNP rs1581014582, ClinGen allele CA359515414.